The following is an entry in ClinVar:

ClinVar aggregate classification (germline): Likely benign. Review status: criteria provided, single submitter (1 of 4 stars). 2 submissions from 2 submitters: Likely benign (1). 1 of the submissions does not count toward it. Last evaluated 2025-12-01.

Conditions:
CAPN15-related disorder. Also called: CAPN15-related condition.

Allele frequency attached by ClinVar (database versions not stated): ESP Exome Variant Server 0.00016; 1000 Genomes Project 0.00020; 1000 Genomes Project 30x 0.00031; TOPMed 0.00053; gnomAD 0.00061; gnomAD exomes 0.00089.
gnomAD v4.1: 1,326 of 1,561,286 alleles (0.085%); highest among the groups gnomAD compares: Non-Finnish European, 0.1%; 1 homozygote.

Submissions (2):

CeGaT Center for Human Genetics Tuebingen
Classification: Likely benign. Last evaluated: 2025-12-01. Review status: criteria provided, single submitter. Criteria: CeGaT Center For Human Genetics Tuebingen Variant Classification Criteria Version 2. Collection method: clinical testing. Allele origin: germline. Affected: yes. Observed: 2 variant alleles.
Comment: CAPN15: BP4, BP7

PreventionGenetics, part of Exact Sciences
Classification: Likely benign for CAPN15-related condition. Last evaluated: 2019-07-25. Review status: no assertion criteria provided. Collection method: clinical testing. Allele origin: germline. Not counted in ClinVar's aggregate classification.
Comment: This variant is classified as likely benign based on ACMG/AMP sequence variant interpretation guidelines (Richards et al. 2015 PMID: 25741868, with internal and published modifications).

NM_005632.3(CAPN15):c.2517C>T (p.Asp839=)

Gene: CAPN15 (calpain 15; plus strand). Cytogenetic location: 16p13.3.
Variant type: single nucleotide variant.
Coding change: c.2517C>T on transcript NM_005632.3 (MANE Select); coding-DNA position 2517, C replaced by T.
Protein change: p.Asp839=; no amino-acid change (aspartic acid 839 retained).
Molecular consequence: synonymous variant.
Genome position (GRCh38, 1-based): chr16:552,310, C>T. VCF-style: chr16-552310-C-T. GRCh37 (hg19) VCF-style: chr16-602310-C-T.
Other names: c.2517C>T (NM_005632.2).
Identifiers: ClinVar variation 3025451 (VCV003025451.23), dbSNP rs376548766, ClinGen allele CA7778811.